The following is an entry in ClinVar:

NM_014956.5(CEP164):c.2947G>A (p.Ala983Thr)

Gene: CEP164 (centrosomal protein 164; plus strand). Cytogenetic location: 11q23.3.
Variant type: single nucleotide variant.
Coding change: c.2947G>A on transcript NM_014956.5 (MANE Select); coding-DNA position 2947, G replaced by A.
Protein change: p.Ala983Thr; replaces alanine 983 with threonine.
Molecular consequence: missense variant.
Genome position (GRCh38, 1-based): chr11:117,395,580, G>A. VCF-style: chr11-117395580-G-A. GRCh37 (hg19) VCF-style: chr11-117266296-G-A.
Other names: c.2956G>A, p.Ala986Thr (NM_001271933.2); short protein forms A983T, A986T.
Identifiers: ClinVar variation 964647 (VCV000964647.10), dbSNP rs1251181865, ClinGen allele CA382731290.

ClinVar aggregate classification (germline): Uncertain significance. Review status: criteria provided, multiple submitters, no conflicts (2 of 4 stars). 2 submissions from 2 submitters: Uncertain significance (2). Last evaluated 2025-08-21.

Conditions:
CEP164-related disorder. Also called: CEP164-related condition.
Nephronophthisis 15 (NPHP15). Identifiers: Orphanet 3156, MedGen C3541853, MONDO:0013917, OMIM 614845.

Submissions (2):

Labcorp Genetics (formerly Invitae), Labcorp
Classification: Uncertain significance for Nephronophthisis 15. Last evaluated: 2025-08-21. Review status: criteria provided, single submitter. Criteria: Invitae Variant Classification Sherloc (09022015). Collection method: clinical testing. Allele origin: germline.
Comment: This sequence change replaces alanine, which is neutral and non-polar, with threonine, which is neutral and polar, at codon 983 of the CEP164 protein (p.Ala983Thr). This variant is not present in population databases (gnomAD no frequency). This variant has not been reported in the literature in individuals affected with CEP164-related conditions. ClinVar contains an entry for this variant (Variation ID: 964647). Invitae Evidence Modeling of protein sequence and biophysical properties (such as structural, functional, and spatial information, amino acid conservation, physicochemical variation, residue mobility, and thermodynamic stability) indicates that this missense variant is not expected to disrupt CEP164 protein function with a negative predictive value of 80%. In summary, the available evidence is currently insufficient to determine the role of this variant in disease. Therefore, it has been classified as a Variant of Uncertain Significance.

PreventionGenetics, part of Exact Sciences
Classification: Uncertain significance for CEP164-related condition. Last evaluated: 2024-10-11. Review status: criteria provided, single submitter. Criteria: ACMG Guidelines, 2015. Collection method: clinical testing. Allele origin: germline.
Comment: The CEP164 c.2947G>A variant is predicted to result in the amino acid substitution p.Ala983Thr. To our knowledge, this variant has not been reported in the literature or in a large population database (gnomAD), indicating it is rare. At this time, the clinical significance of this variant is uncertain due to the absence of conclusive functional and genetic evidence.